The following is an entry in ClinVar:

ClinVar aggregate classification (germline): Uncertain significance (1 of 4 stars; one submission).

Conditions:
Familial thoracic aortic aneurysm and aortic dissection (TAAD). Also called: Thoracic aortic aneurysms and dissections. Identifiers: Orphanet 91387, MedGen C4707243, MONDO:0019625.

gnomAD v4.1: 3 of 1,614,012 alleles (0.00019%); highest among the groups gnomAD compares: Non-Finnish European, 0.00025%; no homozygotes.

Submission:

Ambry Genetics
Classification: Uncertain significance for Familial thoracic aortic aneurysm and aortic dissection. Last evaluated: 2025-06-16. Review status: criteria provided, single submitter. Criteria: Ambry Variant Classification Scheme 2023. Collection method: clinical testing. Allele origin: germline.
Comment: The p.R79Q variant (also known as c.236G>A), located in coding exon 3 of the PLOD1 gene, results from a G to A substitution at nucleotide position 236. The arginine at codon 79 is replaced by glutamine, an amino acid with highly similar properties. This amino acid position is conserved. In addition, this alteration is predicted to be tolerated by in silico analysis. Based on the available evidence, the clinical significance of this variant remains unclear.

NM_000302.4(PLOD1):c.236G>A (p.Arg79Gln)

Gene: PLOD1 (procollagen-lysine,2-oxoglutarate 5-dioxygenase 1; plus strand). Cytogenetic location: 1p36.22.
Variant type: single nucleotide variant.
Coding change: c.236G>A on transcript NM_000302.4 (MANE Select); coding-DNA position 236, G replaced by A.
Protein change: p.Arg79Gln; replaces arginine 79 with glutamine.
Molecular consequence: missense variant.
Genome position (GRCh38, 1-based): chr1:11,949,840, G>A. VCF-style: chr1-11949840-G-A. GRCh37 (hg19) VCF-style: chr1-12009897-G-A.
Other names: c.377G>A, p.Arg126Gln (NM_001316320.2); short protein forms R126Q, R79Q.
Identifiers: ClinVar variation 4139845 (VCV004139845.1).